The following is an entry in ClinVar:

ClinVar aggregate classification (germline): Conflicting classifications of pathogenicity. Review status: criteria provided, conflicting classifications (1 of 4 stars). 3 submissions from 3 submitters: Uncertain significance (2); Likely benign (1). Last evaluated 2023-06-22.

Conditions:
Hereditary cancer-predisposing syndrome. Also called: Hereditary Cancer Syndrome; Neoplastic Syndromes, Hereditary; Tumor predisposition; Hereditary neoplastic syndrome. Identifiers: Orphanet 140162, MedGen C0027672, MeSH D009386, MONDO:0015356.
Hereditary breast ovarian cancer syndrome. Also called: Breast and ovarian cancer; Hereditary breast and ovarian cancer; Hereditary breast and/or ovarian cancer syndrome; BRCA1- and BRCA2-Associated Hereditary Breast and Ovarian Cancer; Hereditary breast and ovarian cancer syndrome (HBOC); Hereditary breast and ovarian cancer syndrome. Identifiers: Orphanet 145, MedGen C0677776, MeSH D061325, MONDO:0003582. Disease mechanism: loss of function.

Submissions (3):

Labcorp Genetics (formerly Invitae), Labcorp
Classification: Uncertain significance for Hereditary breast ovarian cancer syndrome. Last evaluated: 2023-06-22. Review status: criteria provided, single submitter. Criteria: Invitae Variant Classification Sherloc (09022015). Collection method: clinical testing. Allele origin: germline.
Comment: ClinVar contains an entry for this variant (Variation ID: 1746520). Advanced modeling of protein sequence and biophysical properties (such as structural, functional, and spatial information, amino acid conservation, physicochemical variation, residue mobility, and thermodynamic stability) performed at Invitae indicates that this missense variant is not expected to disrupt BRCA2 protein function. In summary, the available evidence is currently insufficient to determine the role of this variant in disease. Therefore, it has been classified as a Variant of Uncertain Significance. This variant has not been reported in the literature in individuals affected with BRCA2-related conditions. This sequence change replaces leucine, which is neutral and non-polar, with phenylalanine, which is neutral and non-polar, at codon 400 of the BRCA2 protein (p.Leu400Phe). This variant is present in population databases (no rsID available, gnomAD 0.007%).

University of Washington Department of Laboratory Medicine, University of Washington
Classification: Likely benign for Hereditary cancer-predisposing syndrome. Last evaluated: 2023-03-23. Review status: criteria provided, single submitter. Criteria: Dines et al. (Genet Med. 2020). Collection method: curation. Allele origin: germline.
Comment: Missense variant in a coldspot region where missense variants are very unlikely to be pathogenic (PMID:31911673).

BRCA2 exon 10 coldspot. Reclassification based on statistical prior probability.

Ambry Genetics
Classification: Uncertain significance for Hereditary cancer-predisposing syndrome. Last evaluated: 2021-07-21. Review status: criteria provided, single submitter. Criteria: Ambry Variant Classification Scheme 2023. Collection method: clinical testing. Allele origin: germline.
Comment: The p.L400F variant (also known as c.1198C>T), located in coding exon 9 of the BRCA2 gene, results from a C to T substitution at nucleotide position 1198. The leucine at codon 400 is replaced by phenylalanine, an amino acid with highly similar properties. This amino acid position is not well conserved in available vertebrate species. In addition, this alteration is predicted to be tolerated by in silico analysis. Since supporting evidence is limited at this time, the clinical significance of this alteration remains unclear.

NM_000059.4(BRCA2):c.1198C>T (p.Leu400Phe)

Gene: BRCA2 (BRCA2 DNA repair associated; plus strand). Cytogenetic location: 13q13.1.
Variant type: single nucleotide variant.
Coding change: c.1198C>T on transcript NM_000059.4 (MANE Select); coding-DNA position 1198, C replaced by T.
Protein change: p.Leu400Phe; replaces leucine 400 with phenylalanine.
Molecular consequence: missense variant.
Genome position (GRCh38, 1-based): chr13:32,332,676, C>T. VCF-style: chr13-32332676-C-T. GRCh37 (hg19) VCF-style: chr13-32906813-C-T.
Other names: c.1198C>T, p.Leu400Phe (NM_001406719.1, NM_001406720.1, NM_001406721.1); short protein forms L400F.
Identifiers: ClinVar variation 1746520 (VCV001746520.7), dbSNP rs1413065373, ClinGen allele CA387762052.